The following is an entry in ClinVar:

NM_002470.4(MYH3):c.4064A>G (p.Lys1355Arg)

Gene: MYH3 (myosin heavy chain 3; minus strand). Cytogenetic location: 17p13.1.
Variant type: single nucleotide variant.
Coding change: c.4064A>G on transcript NM_002470.4 (MANE Select); coding-DNA position 4064, A replaced by G.
Protein change: p.Lys1355Arg; replaces lysine 1355 with arginine.
Molecular consequence: missense variant.
Genome position (GRCh38, 1-based): chr17:10,635,475, T>C on the plus strand (A>G on the coding strand, the complement: MYH3 is on the minus strand). VCF-style: chr17-10635475-T-C. GRCh37 (hg19) VCF-style: chr17-10538792-T-C.
Other names: short protein forms K1355R.
Identifiers: ClinVar variation 4742261 (VCV004742261.1).

ClinVar aggregate classification (germline): Uncertain significance (1 of 4 stars; one submission).

Submission:

Labcorp Genetics (formerly Invitae), Labcorp
Classification: Uncertain significance. Last evaluated: 2026-02-01. Review status: criteria provided, single submitter. Criteria: Invitae Variant Classification Sherloc (09022015). Collection method: clinical testing. Allele origin: germline.
Comment: This sequence change replaces lysine, which is basic and polar, with arginine, which is basic and polar, at codon 1355 of the MYH3 protein (p.Lys1355Arg). This variant is not present in population databases (gnomAD no frequency). This variant has not been reported in the literature in individuals affected with MYH3-related conditions. Invitae Evidence Modeling of protein sequence and biophysical properties (such as structural, functional, and spatial information, amino acid conservation, physicochemical variation, residue mobility, and thermodynamic stability) indicates that this missense variant is not expected to disrupt MYH3 protein function with a negative predictive value of 95%. In summary, the available evidence is currently insufficient to determine the role of this variant in disease. Therefore, it has been classified as a Variant of Uncertain Significance.